The following is an entry in ClinVar:

ClinVar aggregate classification (germline): Uncertain significance. Review status: criteria provided, multiple submitters, no conflicts (2 of 4 stars). 5 submissions from 3 submitters: Uncertain significance (5). Last evaluated 2022-06-04.

Conditions:
Leber congenital amaurosis 6 (LCA6). Identifiers: Orphanet 65, MedGen C1854260, MONDO:0013446, OMIM 613826.
Cone-rod dystrophy 13 (CORD13). Identifiers: Orphanet 1872, MedGen C2750720, MONDO:0011987, OMIM 608194.

Allele frequency attached by ClinVar (database versions not stated): TOPMed below 0.00001.

Submissions (5):

Labcorp Genetics (formerly Invitae), Labcorp
Classification: Uncertain significance for Leber congenital amaurosis 6; Cone-rod dystrophy 13. Last evaluated: 2022-06-04. Review status: criteria provided, single submitter. Criteria: Invitae Variant Classification Sherloc (09022015). Collection method: clinical testing. Allele origin: germline.
Comment: In summary, the available evidence is currently insufficient to determine the role of this variant in disease. Therefore, it has been classified as a Variant of Uncertain Significance. Algorithms developed to predict the effect of sequence changes on RNA splicing suggest that this variant may create or strengthen a splice site. Algorithms developed to predict the effect of missense changes on protein structure and function are either unavailable or do not agree on the potential impact of this missense change (SIFT: "Tolerated"; PolyPhen-2: "Probably Damaging"; Align-GVGD: "Class C0"). ClinVar contains an entry for this variant (Variation ID: 312799). This variant has not been reported in the literature in individuals affected with RPGRIP1-related conditions. This variant is not present in population databases (gnomAD no frequency). This sequence change replaces phenylalanine, which is neutral and non-polar, with leucine, which is neutral and non-polar, at codon 1148 of the RPGRIP1 protein (p.Phe1148Leu).

Genome-Nilou Lab
Classification: Uncertain significance for Leber congenital amaurosis 6. Last evaluated: 2021-11-07. Review status: criteria provided, single submitter. Criteria: ACMG Guidelines, 2015. Collection method: clinical testing. Allele origin: germline. Affected: no.

Genome-Nilou Lab
Classification: Uncertain significance for Cone-rod dystrophy 13. Last evaluated: 2021-11-07. Review status: criteria provided, single submitter. Criteria: ACMG Guidelines, 2015. Collection method: clinical testing. Allele origin: germline. Affected: no.

Illumina Laboratory Services, Illumina
Classification: Uncertain significance for Cone-rod dystrophy 13. Last evaluated: 2018-01-13. Review status: criteria provided, single submitter. Criteria: ICSL Variant Classification Criteria 13 December 2019. Collection method: clinical testing. Allele origin: germline.

Illumina Laboratory Services, Illumina
Classification: Uncertain significance for Leber congenital amaurosis 6. Last evaluated: 2018-01-13. Review status: criteria provided, single submitter. Criteria: ICSL Variant Classification Criteria 13 December 2019. Collection method: clinical testing. Allele origin: germline.

NM_020366.4(RPGRIP1):c.3444C>G (p.Phe1148Leu)

Gene: RPGRIP1 (RPGR interacting protein 1; plus strand). Cytogenetic location: 14q11.2.
Variant type: single nucleotide variant.
Coding change: c.3444C>G on transcript NM_020366.4 (MANE Select); coding-DNA position 3444, C replaced by G.
Protein change: p.Phe1148Leu; replaces phenylalanine 1148 with leucine.
Molecular consequence: missense variant.
Genome position (GRCh38, 1-based): chr14:21,343,140, C>G. VCF-style: chr14-21343140-C-G. GRCh37 (hg19) VCF-style: chr14-21811299-C-G.
Other names: c.1422C>G, p.Phe474Leu (NM_001377523.1, NM_001377950.1); c.2370C>G, p.Phe790Leu (NM_001377948.1); c.1530C>G, p.Phe510Leu (NM_001377949.1); c.927C>G, p.Phe309Leu (NM_001377951.1); short protein forms F1148L, F309L, F474L, F510L, F790L.
Identifiers: ClinVar variation 312799 (VCV000312799.14), dbSNP rs886050401, ClinGen allele CA10634712.